The following is an entry in ClinVar:

NM_005070.4(SLC4A3):c.360C>T (p.Ser120=)

Gene: SLC4A3 (solute carrier family 4 member 3; plus strand). Cytogenetic location: 2q35.
Variant type: single nucleotide variant.
Coding change: c.360C>T on transcript NM_005070.4 (MANE Select); coding-DNA position 360, C replaced by T.
Protein change: p.Ser120=; no amino-acid change (serine 120 retained).
Molecular consequence: synonymous variant. On other transcripts: non-coding transcript variant (1).
Genome position (GRCh38, 1-based): chr2:219,629,286, C>T. VCF-style: chr2-219629286-C-T. GRCh37 (hg19) VCF-style: chr2-220494008-C-T.
Other names: c.360C>T, p.Ser120= (NM_001326559.2, NM_201574.3); c.360C>T (NM_201574.2).
Identifiers: ClinVar variation 2651938 (VCV002651938.25), dbSNP rs148716690, ClinGen allele CA2133575.

ClinVar aggregate classification (germline): Likely benign. Review status: criteria provided, single submitter (1 of 4 stars). 2 submissions from 2 submitters: Likely benign (1). 1 of the submissions does not count toward it. Last evaluated 2023-10-01.

Conditions:
SLC4A3-related disorder. Also called: SLC4A3-related condition.

Allele frequency attached by ClinVar (database versions not stated): ESP Exome Variant Server 0.00023; gnomAD 0.00062; TOPMed 0.00067; 1000 Genomes Project 30x 0.00094; 1000 Genomes Project 0.00120.
gnomAD v4.1: 1,481 of 1,613,904 alleles (0.092%); highest among the groups gnomAD compares: East Asian, 0.11%; no homozygotes.

Submissions (2):

CeGaT Center for Human Genetics Tuebingen
Classification: Likely benign. Last evaluated: 2023-10-01. Review status: criteria provided, single submitter. Criteria: CeGaT Center For Human Genetics Tuebingen Variant Classification Criteria Version 2. Collection method: clinical testing. Allele origin: germline. Affected: yes. Observed: 1 variant allele.
Comment: SLC4A3: BS1

PreventionGenetics, part of Exact Sciences
Classification: Likely benign for SLC4A3-related condition. Last evaluated: 2023-08-29. Review status: no assertion criteria provided. Collection method: clinical testing. Allele origin: germline. Not counted in ClinVar's aggregate classification.
Comment: This variant is classified as likely benign based on ACMG/AMP sequence variant interpretation guidelines (Richards et al. 2015 PMID: 25741868, with internal and published modifications).